The following is an entry in ClinVar:

ClinVar aggregate classification (germline): Uncertain significance. Review status: criteria provided, multiple submitters, no conflicts (2 of 4 stars). 2 submissions from 2 submitters: Uncertain significance (2). Last evaluated 2024-02-10.

Conditions:
Developmental and epileptic encephalopathy, 8 (DEE8). Also called: HYPEREKPLEXIA AND EPILEPSY. Identifiers: Orphanet 163985, Orphanet 2076, MedGen C1845102, MONDO:0010375, OMIM 300607.

Allele frequency attached by ClinVar (database versions not stated): gnomAD exomes below 0.00001; gnomAD 0.00001; TOPMed 0.00001.
gnomAD v4.1: 4 of 1,209,414 alleles (0.00033%); highest among the groups gnomAD compares: Non-Finnish European, 0.00045%; no homozygotes.

Submissions (2):

Labcorp Genetics (formerly Invitae), Labcorp
Classification: Uncertain significance for Developmental and epileptic encephalopathy, 8. Last evaluated: 2024-02-10. Review status: criteria provided, single submitter. Criteria: Invitae Variant Classification Sherloc (09022015). Collection method: clinical testing. Allele origin: germline.
Comment: This sequence change replaces serine, which is neutral and polar, with glycine, which is neutral and non-polar, at codon 141 of the ARHGEF9 protein (p.Ser141Gly). This variant is present in population databases (no rsID available, gnomAD 0.009%). This variant has not been reported in the literature in individuals affected with ARHGEF9-related conditions. ClinVar contains an entry for this variant (Variation ID: 566826). Advanced modeling of protein sequence and biophysical properties (such as structural, functional, and spatial information, amino acid conservation, physicochemical variation, residue mobility, and thermodynamic stability) has been performed at Invitae for this missense variant, however the output from this modeling did not meet the statistical confidence thresholds required to predict the impact of this variant on ARHGEF9 protein function. In summary, the available evidence is currently insufficient to determine the role of this variant in disease. Therefore, it has been classified as a Variant of Uncertain Significance.

Fulgent Genetics
Classification: Uncertain significance for Developmental and epileptic encephalopathy, 8. Last evaluated: 2018-10-31. Review status: criteria provided, single submitter. Criteria: ACMG Guidelines, 2015. Collection method: clinical testing. Allele origin: unknown.

NM_001353921.2(ARHGEF9):c.442A>G (p.Ser148Gly)

Gene: ARHGEF9 (Cdc42 guanine nucleotide exchange factor 9; minus strand). Cytogenetic location: Xq11.1.
Variant type: single nucleotide variant.
Coding change: c.442A>G on transcript NM_001353921.2 (MANE Select); coding-DNA position 442, A replaced by G.
Protein change: p.Ser148Gly; replaces serine 148 with glycine.
Molecular consequence: missense variant.
Genome position (GRCh38, 1-based): chrX:63,697,265, T>C on the plus strand (A>G on the coding strand, the complement: ARHGEF9 is on the minus strand). VCF-style: chrX-63697265-T-C. GRCh37 (hg19) VCF-style: chrX-62917145-T-C.
Other names: c.262A>G, p.Ser88Gly (NM_001173479.2); c.115A>G, p.Ser39Gly (NM_001173480.2, NM_001369042.1); c.358A>G, p.Ser120Gly (NM_001330495.2, NM_001353927.2, NM_001369033.1 and 8 more transcripts); c.442A>G, p.Ser148Gly (NM_001353922.2); c.460A>G, p.Ser154Gly (NM_001353923.1); c.241A>G, p.Ser81Gly (NM_001353924.2, NM_001353926.2, NM_001369039.1 and 1 more transcripts); c.421A>G, p.Ser141Gly (NM_001353928.2, NM_001369030.1, NM_001369031.1 and 2 more transcripts); c.7A>G, p.Ser3Gly (NM_001369045.1); short protein forms S141G, S148G, S120G, S39G, S3G, S81G, S88G, S154G.
Identifiers: ClinVar variation 566826 (VCV000566826.10), dbSNP rs1394345886, ClinGen allele CA413407149.